The following is an entry in ClinVar:

NM_030662.4(MAP2K2):c.874C>T (p.His292Tyr)

Gene: MAP2K2 (mitogen-activated protein kinase kinase 2; minus strand). Cytogenetic location: 19p13.3.
Variant type: single nucleotide variant.
Coding change: c.874C>T on transcript NM_030662.4 (MANE Select); coding-DNA position 874, C replaced by T.
Protein change: p.His292Tyr; replaces histidine 292 with tyrosine.
Molecular consequence: missense variant.
Genome position (GRCh38, 1-based): chr19:4,099,246, G>A on the plus strand (C>T on the coding strand, the complement: MAP2K2 is on the minus strand). VCF-style: chr19-4099246-G-A. GRCh37 (hg19) VCF-style: chr19-4099244-G-A.
Other names: short protein forms H292Y.
Identifiers: ClinVar variation 2899737 (VCV002899737.5), dbSNP rs767332073, ClinGen allele CA9090808.

ClinVar aggregate classification (germline): Uncertain significance. Review status: criteria provided, multiple submitters, no conflicts (2 of 4 stars). 3 submissions from 3 submitters: Uncertain significance (3). Last evaluated 2026-04-30.

Conditions:
RASopathy. Also called: rasopathies; Noonan spectrum disorder. Identifiers: Orphanet 536391, MedGen C5555857, MONDO:0021060.
Cardiovascular phenotype. Identifiers: MedGen CN230736.
Cardiofaciocutaneous syndrome 4 (CFC4). Also called: MAP2K2-Related Cardiofaciocutaneous Syndrome. Identifiers: Orphanet 1340, MedGen C3809007, MONDO:0014114, OMIM 615280.

Allele frequency attached by ClinVar (database versions not stated): gnomAD exomes below 0.00001; ExAC 0.00001; TOPMed 0.00002; gnomAD 0.00003.
gnomAD v4.1: 7 of 1,606,166 alleles (0.00044%); highest among the groups gnomAD compares: African/African-American, 0.008%; no homozygotes.

Submissions (3):

Ambry Genetics
Classification: Uncertain significance for Cardiovascular phenotype. Last evaluated: 2026-04-30. Review status: criteria provided, single submitter. Criteria: Ambry Variant Classification Scheme 2023. Collection method: clinical testing. Allele origin: germline.
Comment: The p.H292Y variant (also known as c.874C>T), located in coding exon 7 of the MAP2K2 gene, results from a C to T substitution at nucleotide position 874. The histidine at codon 292 is replaced by tyrosine, an amino acid with similar properties. This amino acid position is conserved. In addition, this alteration is predicted to be tolerated by in silico analysis. Based on the available evidence, the clinical significance of this variant remains unclear.

Fulgent Genetics
Classification: Uncertain significance for Cardiofaciocutaneous syndrome 4. Last evaluated: 2024-02-07. Review status: criteria provided, single submitter. Criteria: ACMG Guidelines, 2015. Collection method: clinical testing. Allele origin: germline.

Labcorp Genetics (formerly Invitae), Labcorp
Classification: Uncertain significance for RASopathy. Last evaluated: 2023-11-20. Review status: criteria provided, single submitter. Criteria: Invitae Variant Classification Sherloc (09022015). Collection method: clinical testing. Allele origin: germline.
Comment: This sequence change replaces histidine, which is basic and polar, with tyrosine, which is neutral and polar, at codon 292 of the MAP2K2 protein (p.His292Tyr). This variant is present in population databases (rs767332073, gnomAD 0.01%). This variant has not been reported in the literature in individuals affected with MAP2K2-related conditions. Advanced modeling of protein sequence and biophysical properties (such as structural, functional, and spatial information, amino acid conservation, physicochemical variation, residue mobility, and thermodynamic stability) performed at Invitae indicates that this missense variant is not expected to disrupt MAP2K2 protein function with a negative predictive value of 95%. In summary, the available evidence is currently insufficient to determine the role of this variant in disease. Therefore, it has been classified as a Variant of Uncertain Significance.